The following is an entry in ClinVar:

ClinVar aggregate classification (germline): Uncertain significance. Review status: criteria provided, multiple submitters, no conflicts (2 of 4 stars). 6 submissions from 5 submitters: Uncertain significance (6). Last evaluated 2025-07-31.

Conditions:
Inborn genetic diseases. Identifiers: MedGen C0950123, MeSH D030342.
Spinocerebellar ataxia, autosomal recessive, with axonal neuropathy 2 (SCAN2). Also called: ATAXIA-OCULOMOTOR APRAXIA 2; Ataxia-ocular apraxia-2; Ataxia with Oculomotor Apraxia; Ataxia with Oculomotor Apraxia Type 2. Identifiers: Orphanet 64753, MedGen C1853761, MONDO:0018996, OMIM 606002.
Amyotrophic lateral sclerosis type 4 (ALS4). Also called: AMYOTROPHIC LATERAL SCLEROSIS 4, JUVENILE; NEURONOPATHY, DISTAL HEREDITARY MOTOR, WITH PYRAMIDAL FEATURES. Identifiers: Orphanet 357043, MedGen C1865409, MONDO:0011223, OMIM 602433.

Allele frequency attached by ClinVar (database versions not stated): gnomAD exomes 0.00004 and 0.00003; ExAC 0.00002; TOPMed 0.00002; ESP Exome Variant Server 0.00008; gnomAD 0.00002.
gnomAD v4.1: 56 of 1,613,888 alleles (0.0035%); highest among the groups gnomAD compares: East Asian, 0.0045%; no homozygotes.

Submissions (6):

Mayo Clinic Laboratories, Mayo Clinic
Classification: Uncertain significance. Last evaluated: 2025-07-31. Review status: criteria provided, single submitter. Criteria: ACMG Guidelines, 2015. Collection method: clinical testing. Allele origin: germline. Observed: 2 variant alleles.
Comment: BP4

GeneDx
Classification: Uncertain significance. Last evaluated: 2024-12-18. Review status: criteria provided, single submitter. Criteria: GeneDx Variant Classification Process June 2021. Collection method: clinical testing. Allele origin: germline.
Comment: In silico analysis indicates that this missense variant does not alter protein structure/function; This variant is associated with the following publications: (PMID: 34426522, 30220148)

Athena Diagnostics
Classification: Uncertain significance. Last evaluated: 2024-12-02. Review status: criteria provided, single submitter. Criteria: Athena Diagnostics Criteria. Collection method: clinical testing. Allele origin: unknown.
Comment: Available data are insufficient to determine the clinical significance of the variant at this time. The frequency of this variant in the general population is uninformative in assessment of its pathogenicity. Polyphen and MutationTaster predict this amino acid change may be damaging to the protein.

Genome-Nilou Lab
Classification: Uncertain significance for Spinocerebellar ataxia, autosomal recessive, with axonal neuropathy 2. Last evaluated: 2023-02-08. Review status: criteria provided, single submitter. Criteria: ACMG Guidelines, 2015. Collection method: clinical testing. Allele origin: germline.

Genome-Nilou Lab
Classification: Uncertain significance for Amyotrophic lateral sclerosis type 4. Last evaluated: 2023-02-08. Review status: criteria provided, single submitter. Criteria: ACMG Guidelines, 2015. Collection method: clinical testing. Allele origin: germline.

Ambry Genetics
Classification: Uncertain significance for Inborn genetic diseases. Last evaluated: 2022-04-12. Review status: criteria provided, single submitter. Criteria: Ambry Variant Classification Scheme 2023. Collection method: clinical testing. Allele origin: germline.
Comment: The p.P1868L variant (also known as c.5603C>T), located in coding exon 11 of the SETX gene, results from a C to T substitution at nucleotide position 5603. The proline at codon 1868 is replaced by leucine, an amino acid with similar properties. This amino acid position is not well conserved in available vertebrate species. In addition, the in silico prediction for this alteration is inconclusive. Based on the supporting evidence, this variant is unlikely to be causative of juvenile amyotrophic lateral sclerosis 4 (ALS4); however, its contribution to the development of spinocerebellar ataxia with axonal neuropathy 2 (SCAN2) is uncertain.

Literature cited by the submitters: PubMed 29411640 (cited by Mayo Clinic Laboratories, Mayo Clinic and Athena Diagnostics); PubMed 30220148 (cited by Mayo Clinic Laboratories, Mayo Clinic and Athena Diagnostics).

NM_015046.7(SETX):c.5603C>T (p.Pro1868Leu)

Gene: SETX (senataxin; minus strand). Cytogenetic location: 9q34.13.
Variant type: single nucleotide variant.
Coding change: c.5603C>T on transcript NM_015046.7 (MANE Select); coding-DNA position 5603, C replaced by T.
Protein change: p.Pro1868Leu; replaces proline 1868 with leucine.
Molecular consequence: missense variant.
Genome position (GRCh38, 1-based): chr9:132,298,258, G>A on the plus strand (C>T on the coding strand, the complement: SETX is on the minus strand). VCF-style: chr9-132298258-G-A. GRCh37 (hg19) VCF-style: chr9-135173645-G-A.
Other names: p.Pro1868Leu; c.5603C>T, p.Pro1868Leu (NM_001351527.2, NM_001351528.2); short protein forms P1868L.
Identifiers: ClinVar variation 1694010 (VCV001694010.11), dbSNP rs370368422, ClinGen allele CA5296937.